The following is an entry in ClinVar:

ClinVar aggregate classification (germline): Uncertain significance. Review status: criteria provided, multiple submitters, no conflicts (2 of 4 stars). 2 submissions from 2 submitters: Uncertain significance (2). Last evaluated 2025-12-24.

Conditions:
Hereditary spastic paraplegia 5A (SPG5A). Also called: SPASTIC PARAPLEGIA 5A, AUTOSOMAL RECESSIVE. Identifiers: Orphanet 100986, MedGen C1849115, MONDO:0010047, OMIM 270800.

Submissions (2):

Dasa
Classification: Uncertain significance. Last evaluated: 2025-12-24. Review status: criteria provided, single submitter. Criteria: DASA Assertion Criteria. Collection method: clinical testing. Allele origin: germline.
Comment: NM_020533.3(MCOLN1):c.877G>A (p.Gly293Arg) is a missense variant that results in the substitution of glycine with arginine. This variant has been reported in individuals with MCOLN1-related disorders (PMID: 40486934). Also, this variant is rare in population databases. Computational prediction algorithms are consistent with a deleterious effect. The currently available literature and clinical evidence are not sufficient to establish a definitive association between this variant and the reported condition. Therefore, this variant is classified as a variant of uncertain significance.

Broad Center for Mendelian Genomics, Broad Institute of MIT and Harvard
Classification: Uncertain significance for Hereditary spastic paraplegia 5A. Last evaluated: 2018-11-15. Review status: criteria provided, single submitter. Criteria: ACMG Guidelines, 2015. Collection method: research. Allele origin: germline. Inheritance: Autosomal recessive inheritance. Affected: yes.
Comment: This variant was absent from large population studies. Computational prediction tools and conservation analyses suggest that this variant may not impact the protein, though this information is not predictive enough to rule out pathogenicity. In summary, the clinical significance of the p.Gly293Arg variant is uncertain.

Literature cited by the submitters: PubMed 40486934 (cited by Dasa).

NM_020533.3(MCOLN1):c.877G>A (p.Gly293Arg)

Gene: MCOLN1 (mucolipin TRP cation channel 1; plus strand). Cytogenetic location: 19p13.2.
Variant type: single nucleotide variant.
Coding change: c.877G>A on transcript NM_020533.3 (MANE Select); coding-DNA position 877, G replaced by A.
Protein change: p.Gly293Arg; replaces glycine 293 with arginine.
Molecular consequence: missense variant.
Genome position (GRCh38, 1-based): chr19:7,528,257, G>A. VCF-style: chr19-7528257-G-A. GRCh37 (hg19) VCF-style: chr19-7593143-G-A.
Other names: short protein forms G293R.
Identifiers: ClinVar variation 800517 (VCV000800517.3), dbSNP rs1599254675, ClinGen allele CA403085020.